The following is an entry in ClinVar:

ClinVar aggregate classification (germline): Likely benign. Review status: criteria provided, multiple submitters, no conflicts (2 of 4 stars). 2 submissions from 2 submitters: Likely benign (2). Last evaluated 2023-04-19.

Allele frequency attached by ClinVar (database versions not stated): TOPMed 0.00002; gnomAD 0.00004; ExAC 0.00009; ESP Exome Variant Server 0.00023.
gnomAD v4.1: 103 of 1,612,644 alleles (0.0064%); highest among the groups gnomAD compares: South Asian, 0.035%; no homozygotes.

Submissions (2):

Ambry Genetics
Classification: Likely benign. Last evaluated: 2023-04-19. Review status: criteria provided, single submitter. Criteria: Ambry Variant Classification Scheme 2023. Collection method: clinical testing. Allele origin: germline.

CeGaT Center for Human Genetics Tuebingen
Classification: Likely benign. Last evaluated: 2023-01-01. Review status: criteria provided, single submitter. Criteria: CeGaT Center For Human Genetics Tuebingen Variant Classification Criteria Version 2. Collection method: clinical testing. Allele origin: germline. Affected: yes. Observed: 1 variant allele.
Comment: TRPM2: BP4

NM_003307.4(TRPM2):c.2978C>T (p.Pro993Leu)

Gene: TRPM2 (transient receptor potential cation channel subfamily M member 2; plus strand). Cytogenetic location: 21q22.3.
Variant type: single nucleotide variant.
Coding change: c.2978C>T on transcript NM_003307.4 (MANE Select); coding-DNA position 2978, C replaced by T.
Protein change: p.Pro993Leu; replaces proline 993 with leucine.
Molecular consequence: missense variant. On other transcripts: non-coding transcript variant (1).
Genome position (GRCh38, 1-based): chr21:44,413,906, C>T. VCF-style: chr21-44413906-C-T. GRCh37 (hg19) VCF-style: chr21-45833789-C-T.
Other names: c.2978C>T, p.Pro993Leu (NM_001320350.2, NM_001320351.2); short protein forms P993L.
Identifiers: ClinVar variation 2523540 (VCV002523540.26), dbSNP rs141772734, ClinGen allele CA10055231.